The following is an entry in ClinVar:

ClinVar aggregate classification (germline): Likely pathogenic (1 of 4 stars; one submission).

Conditions:
Biotinidase deficiency. Also called: BTD deficiency; Late-onset biotin-responsive multiple carboxylase deficiency; Biotin deficiency. Identifiers: Orphanet 79241, MedGen C0220754, MONDO:0009665, OMIM 253260.

Allele frequency attached by ClinVar (database versions not stated): ExAC 0.00001; gnomAD 0.00001; 1000 Genomes Project 30x 0.00016; 1000 Genomes Project 0.00020.
gnomAD v4.1: 1 of 1,614,204 alleles (0.000062%); highest among the groups gnomAD compares: East Asian, 0.0022%; no homozygotes.

Submission:

Labcorp Genetics (formerly Invitae), Labcorp
Classification: Likely pathogenic for Biotinidase deficiency. Last evaluated: 2023-10-20. Review status: criteria provided, single submitter. Criteria: Invitae Variant Classification Sherloc (09022015). Collection method: clinical testing. Allele origin: germline.
Comment: This sequence change replaces tyrosine, which is neutral and polar, with aspartic acid, which is acidic and polar, at codon 454 of the BTD protein (p.Tyr454Asp). This variant is not present in population databases (gnomAD no frequency). This variant has not been reported in the literature in individuals affected with BTD-related conditions. ClinVar contains an entry for this variant (Variation ID: 2151685). Advanced modeling of protein sequence and biophysical properties (such as structural, functional, and spatial information, amino acid conservation, physicochemical variation, residue mobility, and thermodynamic stability) performed at Invitae indicates that this missense variant is expected to disrupt BTD protein function. This variant disrupts the p.Tyr454 amino acid residue in BTD. Other variant(s) that disrupt this residue have been determined to be pathogenic (PMID: 26810761, 29995633; Invitae). This suggests that this residue is clinically significant, and that variants that disrupt this residue are likely to be disease-causing. In summary, the currently available evidence indicates that the variant is pathogenic, but additional data are needed to prove that conclusively. Therefore, this variant has been classified as Likely Pathogenic.

Literature cited by the submitters: PubMed 26810761; PubMed 29995633.

NM_001370658.1(BTD):c.1300T>G (p.Tyr434Asp)

Gene: BTD (biotinidase; plus strand). Cytogenetic location: 3p25.1.
Variant type: single nucleotide variant.
Coding change: c.1300T>G on transcript NM_001370658.1 (MANE Select); coding-DNA position 1300, T replaced by G.
Protein change: p.Tyr434Asp; replaces tyrosine 434 with aspartic acid.
Molecular consequence: missense variant. On other transcripts: intron variant (2).
Genome position (GRCh38, 1-based): chr3:15,645,216, T>G. VCF-style: chr3-15645216-T-G. GRCh37 (hg19) VCF-style: chr3-15686723-T-G.
Other names: c.1300T>G, p.Tyr434Asp (NM_001323582.2, NM_001407364.1, NM_001407365.1 and 16 more transcripts); c.1015+285T>G (NM_001370752.1); c.399+3159T>G (NM_001370753.1); c.1360T>G, p.Tyr454Asp (NM_000060.4); short protein forms Y434D, Y454D.
Identifiers: ClinVar variation 2151685 (VCV002151685.4), dbSNP rs200507575, ClinGen allele CA2277462.